The following is an entry in ClinVar:

NM_000138.5(FBN1):c.7451A>C (p.Lys2484Thr)

Gene: FBN1 (fibrillin 1; minus strand). Cytogenetic location: 15q21.1.
Variant type: single nucleotide variant.
Coding change: c.7451A>C on transcript NM_000138.5 (MANE Select); coding-DNA position 7451, A replaced by C.
Protein change: p.Lys2484Thr; replaces lysine 2484 with threonine.
Molecular consequence: missense variant.
Genome position (GRCh38, 1-based): chr15:48,425,371, T>G on the plus strand (A>C on the coding strand, the complement: FBN1 is on the minus strand). VCF-style: chr15-48425371-T-G. GRCh37 (hg19) VCF-style: chr15-48717568-T-G.
Other names: c.7451A>C, p.Lys2484Thr (NM_001406716.1); short protein forms K2484T.
Identifiers: ClinVar variation 5001372 (VCV005001372.1).

ClinVar aggregate classification (germline): Uncertain significance (1 of 4 stars; one submission).

Conditions:
FBN1-related disorder. Also called: FBN1-related disorders.

Submission:

PreventionGenetics, part of Exact Sciences
Classification: Uncertain significance for FBN1-related condition. Last evaluated: 2024-11-09. Review status: criteria provided, single submitter. Criteria: ACMG Guidelines, 2015. Collection method: clinical testing. Allele origin: germline.
Comment: The FBN1 c.7451A>C variant is predicted to result in the amino acid substitution p.Lys2484Thr. To our knowledge, this variant has not been reported in the literature or in a large population database (gnomAD), indicating this variant is rare. At this time, the clinical significance of this variant is uncertain due to the absence of conclusive functional and genetic evidence.